The following is an entry in ClinVar:

ClinVar aggregate classification (germline): Uncertain significance. Review status: criteria provided, multiple submitters, no conflicts (2 of 4 stars). 2 submissions from 2 submitters: Uncertain significance (2). Last evaluated 2025-12-29.

Conditions:
PKD1-related disorder. Also called: PKD1-related condition.

gnomAD v4.1: 67 of 1,609,954 alleles (0.0042%); highest among the groups gnomAD compares: South Asian, 0.0077%; no homozygotes.

Submissions (2):

PreventionGenetics, part of Exact Sciences
Classification: Uncertain significance for PKD1-related condition. Last evaluated: 2025-12-29. Review status: criteria provided, single submitter. Criteria: ACMG Guidelines, 2015. Collection method: clinical testing. Allele origin: germline.
Comment: The PKD1 c.8359C>T variant is predicted to result in the amino acid substitution p.Arg2787Cys. To our knowledge, this variant has not been reported in the literature. Of note, different substitutions at the same codon have been reported in individuals with autosomal dominant polycystic kidney disease (ADPKD) (c.8360G>C, p.Arg2787Pro segregated in a family in Li et al. 2022. PubMed ID: 36341123; c.8360G>A, p.Arg2787His in Xu et al. 2024. PubMed ID: 38527221; c.8359C>G, p.Arg2787Gly in Supplementary Table 2, Yu et al. 2022. PubMed ID: 35778421). The c.8359C>T (p.Arg2787Cys) variant is reported in 0.0099% of alleles in individuals of Ashkenazi Jewish descent in gnomAD. At this time, the clinical significance of this variant is uncertain due to the absence of conclusive functional and genetic evidence.

Blueprint Genetics
Classification: Uncertain significance. Last evaluated: 2024-07-11. Review status: criteria provided, single submitter. Criteria: ACMG Guidelines, 2015. Collection method: clinical testing. Allele origin: germline.

NM_001009944.3(PKD1):c.8359C>T (p.Arg2787Cys)

Gene: PKD1 (polycystin 1, transient receptor potential channel interacting; minus strand). Cytogenetic location: 16p13.3.
Variant type: single nucleotide variant.
Coding change: c.8359C>T on transcript NM_001009944.3 (MANE Select); coding-DNA position 8359, C replaced by T.
Protein change: p.Arg2787Cys; replaces arginine 2787 with cysteine.
Molecular consequence: missense variant.
Genome position (GRCh38, 1-based): chr16:2,103,698, G>A on the plus strand (C>T on the coding strand, the complement: PKD1 is on the minus strand). VCF-style: chr16-2103698-G-A. GRCh37 (hg19) VCF-style: chr16-2153699-G-A.
Other names: c.8359C>T, p.Arg2787Cys (NM_000296.4); short protein forms R2787C.
Identifiers: ClinVar variation 4927713 (VCV004927713.2).